The following is an entry in ClinVar:

NM_000020.3(ACVRL1):c.18dup (p.Arg7fs)

Gene: ACVRL1 (activin A receptor like type 1; plus strand). Cytogenetic location: 12q13.13.
Variant type: Duplication.
Coding change: c.18dup on transcript NM_000020.3 (MANE Select); coding-DNA position 18, one base duplicated (C; older notation c.18dupC).
Protein change: p.Arg7fs; shifts the reading frame from arginine 7.
Molecular consequence: frameshift variant.
Genome position (GRCh38, 1-based): chr12:51,912,492, C duplicated; the last of 5 consecutive C bases (chr12:51,912,488-51,912,492); duplicating any one gives the same sequence. VCF-style (leftmost placement, unchanged base first): chr12-51912487-T-TC. GRCh37 (hg19) VCF-style: chr12-52306271-T-TC.
Other names: c.18dupC (NM_000020.2); c.18dup, p.Arg7fs (NM_001077401.2); c.18dup, p.Arg7Glnfs (NM_001406487.1, NM_001406488.1, NM_001406489.1 and 6 more transcripts); short protein forms R7fs.
Identifiers: ClinVar variation 1782276 (VCV001782276.3), dbSNP rs2540157034, ClinGen allele CA2580086416.

ClinVar aggregate classification (germline): Pathogenic/Likely pathogenic. Review status: criteria provided, multiple submitters, no conflicts (2 of 4 stars). 2 submissions from 2 submitters: Pathogenic (1); Likely pathogenic (1). Last evaluated 2022-05-27.

Conditions:
Cardiovascular phenotype. Identifiers: MedGen CN230736.
ACVRL1-related disorder. Also called: ACVRL1-related condition; ACVRL1-related disorders.

Submissions (2):

Blueprint Genetics
Classification: Likely pathogenic for ACVRL1-related disorders. Last evaluated: 2022-05-27. Review status: criteria provided, single submitter. Criteria: ACMG Guidelines, 2015. Collection method: clinical testing. Allele origin: germline. Affected: yes. Observed: 1 variant allele.

Ambry Genetics
Classification: Pathogenic for Cardiovascular phenotype. Last evaluated: 2018-07-11. Review status: criteria provided, single submitter. Criteria: Ambry Variant Classification Scheme 2023. Collection method: clinical testing. Allele origin: germline.
Comment: The c.18dupC pathogenic mutation, located in coding exon 1 of the ACVRL1 gene, results from a duplication of C at nucleotide position 18, causing a translational frameshift with a predicted alternate stop codon (p.R7Qfs*31). This alteration is expected to result in loss of function by premature protein truncation or nonsense-mediated mRNA decay. As such, this alteration is interpreted as a disease-causing mutation.